The following is an entry in ClinVar:

ClinVar aggregate classification (germline): Uncertain significance (1 of 4 stars; one submission).

Conditions:
Glycine encephalopathy. Also called: Non-ketotic hyperglycinemia; Nonketotic hyperglycinemia. Identifiers: Orphanet 407, MedGen C0751748, MONDO:0011612, HP:0008288.

Allele frequency attached by ClinVar (database versions not stated): gnomAD exomes 0.00001.
gnomAD v4.1: 3 of 1,614,108 alleles (0.00019%); highest among the groups gnomAD compares: South Asian, 0.0033%; no homozygotes.

Submission:

Labcorp Genetics (formerly Invitae), Labcorp
Classification: Uncertain significance for Glycine encephalopathy. Last evaluated: 2024-10-15. Review status: criteria provided, single submitter. Criteria: Invitae Variant Classification Sherloc (09022015). Collection method: clinical testing. Allele origin: germline.
Comment: This sequence change replaces serine, which is neutral and polar, with glycine, which is neutral and non-polar, at codon 370 of the AMT protein (p.Ser370Gly). This variant is not present in population databases (gnomAD no frequency). This variant has not been reported in the literature in individuals affected with AMT-related conditions. ClinVar contains an entry for this variant (Variation ID: 1929297). Invitae Evidence Modeling of protein sequence and biophysical properties (such as structural, functional, and spatial information, amino acid conservation, physicochemical variation, residue mobility, and thermodynamic stability) indicates that this missense variant is not expected to disrupt AMT protein function with a negative predictive value of 95%. In summary, the available evidence is currently insufficient to determine the role of this variant in disease. Therefore, it has been classified as a Variant of Uncertain Significance.

NM_000481.4(AMT):c.1108A>G (p.Ser370Gly)

Gene: AMT (aminomethyltransferase; minus strand). Cytogenetic location: 3p21.31.
Variant type: single nucleotide variant.
Coding change: c.1108A>G on transcript NM_000481.4 (MANE Select); coding-DNA position 1108, A replaced by G.
Protein change: p.Ser370Gly; replaces serine 370 with glycine.
Molecular consequence: missense variant. On other transcripts: non-coding transcript variant (1).
Genome position (GRCh38, 1-based): chr3:49,417,644, T>C on the plus strand (A>G on the coding strand, the complement: AMT is on the minus strand). VCF-style: chr3-49417644-T-C. GRCh37 (hg19) VCF-style: chr3-49455077-T-C.
Other names: c.976A>G, p.Ser326Gly (NM_001164710.2); c.940A>G, p.Ser314Gly (NM_001164711.2); c.1108A>G, p.Ser370Gly (NM_001164712.2); short protein forms S370G, S326G, S314G.
Identifiers: ClinVar variation 1929297 (VCV001929297.5), dbSNP rs2471145249, ClinGen allele CA352788864.